The following is an entry in ClinVar:

NM_004360.5(CDH1):c.65G>T (p.Cys22Phe)

Gene: CDH1 (cadherin 1; plus strand). Cytogenetic location: 16q22.1.
Variant type: single nucleotide variant.
Coding change: c.65G>T on transcript NM_004360.5 (MANE Select); coding-DNA position 65, G replaced by T.
Protein change: p.Cys22Phe; replaces cysteine 22 with phenylalanine.
Molecular consequence: missense variant. On other transcripts: 5 prime UTR variant (2).
Genome position (GRCh38, 1-based): chr16:68,738,313, G>T. VCF-style: chr16-68738313-G-T. GRCh37 (hg19) VCF-style: chr16-68772216-G-T.
Other names: c.65G>T, p.Cys22Phe (NM_001317184.2); c.-1551G>T (NM_001317185.2); c.-1755G>T (NM_001317186.2); short protein forms C22F.
Identifiers: ClinVar variation 2750960 (VCV002750960.4), dbSNP rs1555509758, ClinGen allele CA396451673.

ClinVar aggregate classification (germline): Uncertain significance. Review status: criteria provided, multiple submitters, no conflicts (2 of 4 stars). 2 submissions from 2 submitters: Uncertain significance (2). Last evaluated 2024-12-19.

Conditions:
Hereditary cancer-predisposing syndrome. Also called: Hereditary Cancer Syndrome; Tumor predisposition; Hereditary neoplastic syndrome; Neoplastic Syndromes, Hereditary. Identifiers: Orphanet 140162, MedGen C0027672, MeSH D009386, MONDO:0015356.
Hereditary diffuse gastric adenocarcinoma (HDGC). Also called: DIFFUSE GASTRIC AND LOBULAR BREAST CANCER SYNDROME. Identifiers: Orphanet 26106, MedGen C1708349, MONDO:0007648, OMIM 137215.

Submissions (2):

Ambry Genetics
Classification: Uncertain significance for Hereditary cancer-predisposing syndrome. Last evaluated: 2024-12-19. Review status: criteria provided, single submitter. Criteria: Ambry Variant Classification Scheme 2023. Collection method: clinical testing. Allele origin: germline.
Comment: The p.C22F variant (also known as c.65G>T), located in coding exon 2 of the CDH1 gene, results from a G to T substitution at nucleotide position 65. The cysteine at codon 22 is replaced by phenylalanine, an amino acid with highly dissimilar properties. This amino acid position is highly conserved in available vertebrate species. In addition, the in silico prediction for this alteration is inconclusive. Based on the available evidence, the clinical significance of this variant remains unclear.

Labcorp Genetics (formerly Invitae), Labcorp
Classification: Uncertain significance for Hereditary diffuse gastric adenocarcinoma. Last evaluated: 2023-08-07. Review status: criteria provided, single submitter. Criteria: Invitae Variant Classification Sherloc (09022015). Collection method: clinical testing. Allele origin: germline.
Comment: Algorithms developed to predict the effect of sequence changes on RNA splicing suggest that this variant may create or strengthen a splice site. This sequence change replaces cysteine, which is neutral and slightly polar, with phenylalanine, which is neutral and non-polar, at codon 22 of the CDH1 protein (p.Cys22Phe). This variant is not present in population databases (gnomAD no frequency). This variant has not been reported in the literature in individuals affected with CDH1-related conditions. An algorithm developed to predict the effect of missense changes on protein structure and function (PolyPhen-2) suggests that this variant is likely to be disruptive. In summary, the available evidence is currently insufficient to determine the role of this variant in disease. Therefore, it has been classified as a Variant of Uncertain Significance.